The following is an entry in ClinVar:

NM_000554.6(CRX):c.*2040G>A

Gene: CRX (cone-rod homeobox; plus strand). Cytogenetic location: 19q13.33.
Variant type: single nucleotide variant.
Coding change: c.*2040G>A on transcript NM_000554.6 (MANE Select); 2040 bases downstream of the stop codon, G replaced by A.
Molecular consequence: 3 prime UTR variant.
Genome position (GRCh38, 1-based): chr19:47,842,007, G>A. VCF-style: chr19-47842007-G-A. GRCh37 (hg19) VCF-style: chr19-48345264-G-A.
Identifiers: ClinVar variation 892854 (VCV000892854.4), dbSNP rs139340702, ClinGen allele CA309215056.

ClinVar aggregate classification (germline): Conflicting classifications of pathogenicity. Review status: criteria provided, conflicting classifications (1 of 4 stars). 3 submissions from 1 submitter: Uncertain significance (2); Likely benign (1). Last evaluated 2018-01-12.

Conditions:
Leber congenital amaurosis 7 (LCA7). Identifiers: Orphanet 65, MedGen C3151192, MONDO:0013449, OMIM 613829.
Cone-rod dystrophy 2 (CORD2). Also called: CONE-ROD RETINAL DYSTROPHY; Cone-rod retinal dystrophy 2. Identifiers: Orphanet 1872, MedGen C3489532, MONDO:0007362, OMIM 120970.
Retinitis pigmentosa (RP). Identifiers: Orphanet 791, MedGen C0035334, MeSH D012174, MONDO:0019200, OMIM 268000. Inheritance: Autosomal dominant, autosomal recessive and X linked inheritance.

Allele frequency attached by ClinVar (database versions not stated): gnomAD 0.00009 and 0.00017; TOPMed 0.00012; 1000 Genomes Project 30x 0.00062; 1000 Genomes Project 0.00080.

Submissions (3):

Illumina Laboratory Services, Illumina
Classification: Uncertain significance for Leber congenital amaurosis 7. Last evaluated: 2018-01-12. Review status: criteria provided, single submitter. Criteria: ICSL Variant Classification Criteria 13 December 2019. Collection method: clinical testing. Allele origin: germline.

Illumina Laboratory Services, Illumina
Classification: Likely benign for Cone-rod dystrophy 2. Last evaluated: 2018-01-12. Review status: criteria provided, single submitter. Criteria: ICSL Variant Classification Criteria 13 December 2019. Collection method: clinical testing. Allele origin: germline.
Comment: This variant was observed in the ICSL laboratory as part of a predisposition screen in an ostensibly healthy population. It had not been previously curated by ICSL or reported in the Human Gene Mutation Database (HGMD: prior to June 1st, 2018), and was therefore a candidate for classification through an automated scoring system. Utilizing variant allele frequency, disease prevalence and penetrance estimates, and inheritance mode, an automated score was calculated to assess if this variant is too frequent to cause the disease. Based on the score and internal cut-off values, a variant classified as likely benign is not then subjected to further curation. The score for this variant resulted in a classification of likely benign for this disease.

Illumina Laboratory Services, Illumina
Classification: Uncertain significance for Retinitis pigmentosa. Last evaluated: 2018-01-12. Review status: criteria provided, single submitter. Criteria: ICSL Variant Classification Criteria 13 December 2019. Collection method: clinical testing. Allele origin: germline.